The following is an entry in ClinVar:

ClinVar aggregate classification (germline): Uncertain significance. Review status: criteria provided, multiple submitters, no conflicts (2 of 4 stars). 3 submissions from 3 submitters: Uncertain significance (3). Last evaluated 2025-09-24.

Conditions:
Inborn genetic diseases. Identifiers: MedGen C0950123, MeSH D030342.

Allele frequency attached by ClinVar (database versions not stated): gnomAD 0.00001; gnomAD exomes 0.00002 and 0.00014; ExAC 0.00003; TOPMed 0.00003.
gnomAD v4.1: 199 of 1,551,984 alleles (0.013%); highest among the groups gnomAD compares: Non-Finnish European, 0.017%; no homozygotes.

Submissions (3):

Ambry Genetics
Classification: Uncertain significance for Inborn genetic diseases. Last evaluated: 2025-09-24. Review status: criteria provided, single submitter. Criteria: Ambry Variant Classification Scheme 2023. Collection method: clinical testing. Allele origin: germline.

Labcorp Genetics (formerly Invitae), Labcorp
Classification: Uncertain significance. Last evaluated: 2023-08-10. Review status: criteria provided, single submitter. Criteria: Invitae Variant Classification Sherloc (09022015). Collection method: clinical testing. Allele origin: germline.
Comment: This sequence change replaces alanine, which is neutral and non-polar, with threonine, which is neutral and polar, at codon 773 of the MERTK protein (p.Ala773Thr). This variant is present in population databases (rs768529168, gnomAD 0.005%). This variant has not been reported in the literature in individuals affected with MERTK-related conditions. ClinVar contains an entry for this variant (Variation ID: 1016107). Advanced modeling of protein sequence and biophysical properties (such as structural, functional, and spatial information, amino acid conservation, physicochemical variation, residue mobility, and thermodynamic stability) performed at Invitae indicates that this missense variant is expected to disrupt MERTK protein function. In summary, the available evidence is currently insufficient to determine the role of this variant in disease. Therefore, it has been classified as a Variant of Uncertain Significance.

Blueprint Genetics
Classification: Uncertain significance. Last evaluated: 2019-10-15. Review status: criteria provided, single submitter. Criteria: ACMG Guidelines, 2015. Collection method: clinical testing. Allele origin: germline.

NM_006343.3(MERTK):c.2317G>A (p.Ala773Thr)

Gene: MERTK (MER proto-oncogene, tyrosine kinase; plus strand). Cytogenetic location: 2q13.
Variant type: single nucleotide variant.
Coding change: c.2317G>A on transcript NM_006343.3 (MANE Select); coding-DNA position 2317, G replaced by A.
Protein change: p.Ala773Thr; replaces alanine 773 with threonine.
Molecular consequence: missense variant.
Genome position (GRCh38, 1-based): chr2:112,021,549, G>A. VCF-style: chr2-112021549-G-A. GRCh37 (hg19) VCF-style: chr2-112779126-G-A.
Other names: c.2317G>A (NM_006343.2); short protein forms A773T.
Identifiers: ClinVar variation 1016107 (VCV001016107.9), dbSNP rs768529168, ClinGen allele CA1831797.